The following is an entry in ClinVar:

ClinVar aggregate classification (germline): Uncertain significance (1 of 4 stars; one submission).

Conditions:
PEHO-like syndrome. Also called: PROGRESSIVE ENCEPHALOPATHY WITH EDEMA, HYPSARRHYTHMIA, AND OPTIC ATROPHY-LIKE SYNDROME. Identifiers: Orphanet 99807, MedGen C1850056, MONDO:0020495, OMIM 617507.

Submission:

Baylor Genetics
Classification: Uncertain significance for PEHO-like syndrome. Last evaluated: 2018-02-22. Review status: criteria provided, single submitter. Criteria: ACMG Guidelines, 2015. Collection method: clinical testing. Allele origin: unknown. Affected: yes.
Comment: This variant was determined to be of uncertain significance according to ACMG Guidelines, 2015 [PMID:25741868].

NM_001365480.1(CCDC88A):c.3263G>C (p.Arg1088Thr)

Gene: CCDC88A (coiled-coil domain containing 88A; minus strand). Cytogenetic location: 2p16.1.
Variant type: single nucleotide variant.
Coding change: c.3263G>C on transcript NM_001365480.1 (MANE Select); coding-DNA position 3263, G replaced by C.
Protein change: p.Arg1088Thr; replaces arginine 1088 with threonine.
Molecular consequence: missense variant.
Genome position (GRCh38, 1-based): chr2:55,318,904, C>G on the plus strand (G>C on the coding strand, the complement: CCDC88A is on the minus strand). VCF-style: chr2-55318904-C-G. GRCh37 (hg19) VCF-style: chr2-55546040-C-G.
Other names: c.3260G>C, p.Arg1087Thr (NM_001135597.2, NM_001254943.2); c.3263G>C, p.Arg1088Thr (NM_018084.5); short protein forms R1088T, R1087T.
Identifiers: ClinVar variation 1033728 (VCV001033728.1), dbSNP rs1683281650, ClinGen allele CA346893933.
Genomic context (GRCh38, chr2:55,318,904, plus strand): 5'-TGAAGCTTGGCATTCTGTGTTTGAAGAGTGGTATTCTGTTCTTGTAATGACACTGTCTGC[C>G]TCTGAAGTGCAAGAATCTGAGCCTGCAAATTATTGTTCTGTGTCTCAAGTTGCTTCAGTT-3'
Protein context (NP_001352409.1, residues 1078-1098): NLQAQILALQ[Arg1088Thr]QTVSLQEQNT